The following is an entry in ClinVar:

ClinVar aggregate classification (germline): Uncertain significance (1 of 4 stars; one submission).

gnomAD v4.1: 2 of 1,613,430 alleles (0.00012%); highest among the groups gnomAD compares: African/African-American, 0.0027%; no homozygotes.

Submission:

GeneDx
Classification: Uncertain significance. Last evaluated: 2025-06-27. Review status: criteria provided, single submitter. Criteria: GeneDx Variant Classification Process June 2021. Collection method: clinical testing. Allele origin: germline. Affected: yes.
Comment: Not observed at significant frequency in large population cohorts (gnomAD); In silico analysis suggests that this missense variant does not alter protein structure/function; Has not been previously published as pathogenic or benign to our knowledge

NM_001367873.1(SOX6):c.61A>G (p.Thr21Ala)

Gene: SOX6 (SRY-box transcription factor 6; minus strand). Cytogenetic location: 11p15.2.
Variant type: single nucleotide variant.
Coding change: c.61A>G on transcript NM_001367873.1 (MANE Select); coding-DNA position 61, A replaced by G.
Protein change: p.Thr21Ala; replaces threonine 21 with alanine.
Molecular consequence: missense variant.
Genome position (GRCh38, 1-based): chr11:16,341,188, T>C on the plus strand (A>G on the coding strand, the complement: SOX6 is on the minus strand). VCF-style: chr11-16341188-T-C. GRCh37 (hg19) VCF-style: chr11-16362734-T-C.
Other names: c.61A>G, p.Thr21Ala (NM_001145811.2, NM_001145819.2, NM_001367872.1 and 2 more transcripts); short protein forms T21A.
Identifiers: ClinVar variation 4540030 (VCV004540030.1).